The following is an entry in ClinVar:

NM_001011658.4(TRAPPC2):c.*710T>C

Gene: TRAPPC2 (trafficking protein particle complex subunit 2; minus strand). Cytogenetic location: Xp22.2.
Variant type: single nucleotide variant.
Coding change: c.*710T>C on transcript NM_001011658.4 (MANE Select); 710 bases downstream of the stop codon, T replaced by C.
Molecular consequence: 3 prime UTR variant.
Genome position (GRCh38, 1-based): chrX:13,713,697, A>G on the plus strand (T>C on the coding strand, the complement: TRAPPC2 is on the minus strand). VCF-style: chrX-13713697-A-G. GRCh37 (hg19) VCF-style: chrX-13731816-A-G.
Other names: c.*710T>C (NM_001128835.3, NM_014563.6).
Identifiers: ClinVar variation 367983 (VCV000367983.5), dbSNP rs141763219, ClinGen allele CA10654265.

ClinVar aggregate classification (germline): Likely benign (1 of 4 stars; one submission).

Conditions:
Spondyloepiphyseal dysplasia tarda (SEDT). Also called: SPONDYLOEPIPHYSEAL DYSPLASIA, LATE. Identifiers: Orphanet 93284, MedGen CN033239, MONDO:0019667.

Allele frequency attached by ClinVar (database versions not stated): gnomAD 0.00033 and 0.00104; TOPMed 0.00087; 1000 Genomes Project 30x 0.01020; 1000 Genomes Project 0.01139.

Submission:

Illumina Laboratory Services, Illumina
Classification: Likely benign for Spondyloepiphyseal dysplasia tarda, X-linked. Last evaluated: 2017-04-27. Review status: criteria provided, single submitter. Criteria: ICSL Variant Classification Criteria 13 December 2019. Collection method: clinical testing. Allele origin: germline.
Comment: This variant was observed as part of a predisposition screen in an ostensibly healthy population. A literature search was performed for the gene, cDNA change, and amino acid change (where applicable). No publications were found based on this search. Allele frequency data from public databases allowed determination this variant is unlikely to cause disease. Therefore, this variant is classified as likely benign.